The following is an entry in ClinVar:

NM_001849.4(COL6A2):c.2508C>A (p.Phe836Leu)

Gene: COL6A2 (collagen type VI alpha 2 chain; plus strand). Cytogenetic location: 21q22.3.
Variant type: single nucleotide variant.
Coding change: c.2508C>A on transcript NM_001849.4 (MANE Select); coding-DNA position 2508, C replaced by A.
Protein change: p.Phe836Leu; replaces phenylalanine 836 with leucine.
Molecular consequence: missense variant.
Genome position (GRCh38, 1-based): chr21:46,132,000, C>A. VCF-style: chr21-46132000-C-A. GRCh37 (hg19) VCF-style: chr21-47551914-C-A.
Other names: short protein forms F836L.
Identifiers: ClinVar variation 162545 (VCV000162545.12), dbSNP rs727502835, ClinGen allele CA295302.

ClinVar aggregate classification (germline): Uncertain significance. Review status: criteria provided, multiple submitters, no conflicts (2 of 4 stars). 2 submissions from 2 submitters: Uncertain significance (2). Last evaluated 2025-08-19.

Conditions:
Inborn genetic diseases. Identifiers: MedGen C0950123, MeSH D030342.
Bethlem myopathy 1A. Also called: Bethlem Muscular Dystrophy; MYOPATHY, BENIGN CONGENITAL, WITH CONTRACTURES; Bethlem myopathy 1. Identifiers: Orphanet 610, MedGen CN029274, MONDO:0024530, OMIM 158810.

Allele frequency attached by ClinVar (database versions not stated): TOPMed below 0.00001; ExAC 0.00001; gnomAD 0.00001; gnomAD exomes 0.00002.
gnomAD v4.1: 24 of 1,610,162 alleles (0.0015%); highest among the groups gnomAD compares: Non-Finnish European, 0.0019%; no homozygotes.

Submissions (2):

Ambry Genetics
Classification: Uncertain significance for Inborn genetic diseases. Last evaluated: 2025-08-19. Review status: criteria provided, single submitter. Criteria: Ambry Variant Classification Scheme 2023. Collection method: clinical testing. Allele origin: germline.

Labcorp Genetics (formerly Invitae), Labcorp
Classification: Uncertain significance for Bethlem myopathy 1A. Last evaluated: 2019-02-23. Review status: criteria provided, single submitter. Criteria: Invitae Variant Classification Sherloc (09022015). Collection method: clinical testing. Allele origin: germline.
Comment: This sequence change replaces phenylalanine with leucine at codon 836 of the COL6A2 protein (p.Phe836Leu). The phenylalanine residue is highly conserved and there is a small physicochemical difference between phenylalanine and leucine. This variant is present in population databases (rs727502835, ExAC 0.002%) but has not been reported in the literature in individuals with a COL6A2-related disease. In summary, this variant is a rare missense change with uncertain impact on protein function. There is no indication that it causes disease, but the available evidence is currently insufficient to prove that conclusively. Therefore, it has been classified as a Variant of Uncertain Significance. Algorithms developed to predict the effect of missense changes on protein structure and function do not agree on the potential impact of this missense change (SIFT: "Deleterious"; PolyPhen-2: "Probably Damaging"; Align-GVGD: "Class C0").